The following is an entry in ClinVar:

NM_030665.4(RAI1):c.5038C>G (p.Leu1680Val)

Gene: RAI1 (retinoic acid induced 1; plus strand). Cytogenetic location: 17p11.2.
Variant type: single nucleotide variant.
Coding change: c.5038C>G on transcript NM_030665.4 (MANE Select); coding-DNA position 5038, C replaced by G.
Protein change: p.Leu1680Val; replaces leucine 1680 with valine.
Molecular consequence: missense variant.
Genome position (GRCh38, 1-based): chr17:17,797,986, C>G. VCF-style: chr17-17797986-C-G. GRCh37 (hg19) VCF-style: chr17-17701300-C-G.
Other names: short protein forms L1680V.
Identifiers: ClinVar variation 3644804 (VCV003644804.2).
Genomic context (GRCh38, chr17:17,797,986, plus strand): 5'-CCGCGGCCCTCCTTGCCCCTCTCCTCCACGATGCACTTGGGGCCTGTGGTTTCCAAGGCC[C>G]TGAGTACCTCTTGCCTTGTTTGCTGCCTCTGCCAAAACCCGGCCAACTTCAAGGACCTTG-3'
Protein context (NP_109590.3, residues 1670-1690): MHLGPVVSKA[Leu1680Val]STSCLVCCLC

ClinVar aggregate classification (germline): Uncertain significance (1 of 4 stars; one submission).

Submission:

Labcorp Genetics (formerly Invitae), Labcorp
Classification: Uncertain significance. Last evaluated: 2024-03-07. Review status: criteria provided, single submitter. Criteria: Invitae Variant Classification Sherloc (09022015). Collection method: clinical testing. Allele origin: germline.
Comment: This sequence change replaces leucine, which is neutral and non-polar, with valine, which is neutral and non-polar, at codon 1680 of the RAI1 protein (p.Leu1680Val). This variant is not present in population databases (gnomAD no frequency). This variant has not been reported in the literature in individuals affected with RAI1-related conditions. Advanced modeling of protein sequence and biophysical properties (such as structural, functional, and spatial information, amino acid conservation, physicochemical variation, residue mobility, and thermodynamic stability) performed at Invitae indicates that this missense variant is not expected to disrupt RAI1 protein function with a negative predictive value of 80%. In summary, the available evidence is currently insufficient to determine the role of this variant in disease. Therefore, it has been classified as a Variant of Uncertain Significance.